The following is an entry in ClinVar:

ClinVar aggregate classification (germline): Pathogenic/Likely pathogenic. Review status: criteria provided, multiple submitters, no conflicts (2 of 4 stars). 3 submissions from 3 submitters: Pathogenic (1); Likely pathogenic (1). 1 of the submissions does not count toward it. Last evaluated 2024-08-29.

Conditions:
MYH2-related disorder. Also called: MYH2-related condition.
Myopathy, proximal, and ophthalmoplegia (CMYO6). Also called: MYOPATHY WITH CONGENITAL JOINT CONTRACTURES, OPHTHALMOPLEGIA, AND RIMMED VACUOLES; CONGENITAL MYOPATHY 6 WITH OPHTHALMOPLEGIA; INCLUSION BODY MYOPATHY 3, AUTOSOMAL DOMINANT. Identifiers: Orphanet 363677, Orphanet 79091, MedGen C1854106, MONDO:0011577, OMIM 605637.

Allele frequency attached by ClinVar (database versions not stated): gnomAD 0.00002.
gnomAD v4.1: 14 of 1,613,816 alleles (0.00087%); highest among the groups gnomAD compares: African/African-American, 0.0013%; no homozygotes.

Submissions (3):

Labcorp Genetics (formerly Invitae), Labcorp
Classification: Pathogenic for Myopathy, proximal, and ophthalmoplegia. Last evaluated: 2024-08-29. Review status: criteria provided, single submitter. Criteria: Invitae Variant Classification Sherloc (09022015). Collection method: clinical testing. Allele origin: germline.
Comment: This sequence change creates a premature translational stop signal (p.Gln1513*) in the MYH2 gene. It is expected to result in an absent or disrupted protein product. Loss-of-function variants in MYH2 are known to be pathogenic (PMID: 20418530, 23388406, 24193343). This variant is present in population databases (no rsID available, gnomAD 0.007%). This variant has not been reported in the literature in individuals affected with MYH2-related conditions. ClinVar contains an entry for this variant (Variation ID: 576776). For these reasons, this variant has been classified as Pathogenic.

PreventionGenetics, part of Exact Sciences
Classification: Likely pathogenic for MYH2-related condition. Last evaluated: 2023-08-25. Review status: criteria provided, single submitter. Criteria: ACMG Guidelines, 2015. Collection method: clinical testing. Allele origin: germline.
Comment: The MYH2 c.4537C>T variant is predicted to result in premature protein termination (p.Gln1513*). To our knowledge this variant has not been reported in the literature. This variant is reported in 0.0065% of alleles in individuals of European (Non-Finnish) descent in gnomAD. Nonsense variants in MYH2 are expected to be pathogenic. This variant is interpreted as likely pathogenic.

Hong-Tao Li Lab, Institute of Brain Science and Brain-inspired Research, Shandong First Medical University & Shandong Academy of Medical Sciences China
Classification: Pathogenic for Myopathy, proximal, and ophthalmoplegia. Review status: no assertion criteria provided. Collection method: research. Allele origin: germline. Affected: yes. Observed: 1 variant allele, 1 homozygote. Not counted in ClinVar's aggregate classification.
Comment: Observed in affected individuals from a Pakistani neurodevelopmental-disorder research cohort of 263 individuals. Classification assigned using the ACMG/AMP framework. Population-frequency evidence: gnomAD AF 3.186e-05.

Literature cited by the submitters: PubMed 20418530 (cited by Labcorp Genetics (formerly Invitae), Labcorp); PubMed 23388406 (cited by Labcorp Genetics (formerly Invitae), Labcorp); PubMed 24193343 (cited by Labcorp Genetics (formerly Invitae), Labcorp).

NM_017534.6(MYH2):c.4537C>T (p.Gln1513Ter)

Genes: MYH2 (myosin heavy chain 2; minus strand), MYHAS (myosin heavy chain gene cluster antisense RNA; plus strand), LOC126862500 (BRD4-independent group 4 enhancer GRCh37_chr17:10427829-10429028; plus strand). Cytogenetic location: 17p13.1.
Variant type: single nucleotide variant.
Coding change: c.4537C>T on transcript NM_017534.6 (MANE Select); coding-DNA position 4537, C replaced by T.
Protein change: p.Gln1513Ter; replaces glutamine 1513 with a stop codon.
Molecular consequence: nonsense.
Genome position (GRCh38, 1-based): chr17:10,525,451, G>A on the plus strand (C>T on the coding strand, the complement: MYH2 is on the minus strand). VCF-style: chr17-10525451-G-A. GRCh37 (hg19) VCF-style: chr17-10428768-G-A.
Other names: c.4537C>T, p.Gln1513Ter (NM_001100112.2); short protein forms Q1513*.
Identifiers: ClinVar variation 576776 (VCV000576776.8), dbSNP rs929311433, ClinGen allele CA287736987.